The following is an entry in ClinVar:

NM_018417.6(ADCY10):c.1415G>T (p.Gly472Val)

Genes: ADCY10 (adenylate cyclase 10; minus strand), DCAF6 (DDB1 and CUL4 associated factor 6; plus strand). Cytogenetic location: 1q24.2.
Variant type: single nucleotide variant.
Coding change: c.1415G>T on transcript NM_018417.6 (MANE Select); coding-DNA position 1415, G replaced by T.
Protein change: p.Gly472Val; replaces glycine 472 with valine.
Molecular consequence: missense variant.
Genome position (GRCh38, 1-based): chr1:167,875,178, C>A on the plus strand (G>T on the coding strand, the complement: ADCY10 is on the minus strand). VCF-style: chr1-167875178-C-A. GRCh37 (hg19) VCF-style: chr1-167844416-C-A.
Other names: c.956G>T, p.Gly319Val (NM_001167749.3); c.1139G>T, p.Gly380Val (NM_001297772.2); short protein forms G380V, G472V, G319V.
Identifiers: ClinVar variation 2044664 (VCV002044664.4), dbSNP rs756991569, ClinGen allele CA1227945.
Genomic context (GRCh38, chr1:167,875,178, plus strand): 5'-GCCTACTACCTACCCAGCAAAGGGTAATCCTCCTTTCTGTTGCAGATGAGGCACGCCATA[C>A]CAAACATGCTGAAGAGAAGAACAAAAGAACAGATGCTAGATTCAAAACAGGGACATATTG-3'
Protein context (NP_060887.2, residues 462-482): YWGRTEKVMF[Gly472Val]MACLICNRKE

ClinVar aggregate classification (germline): Uncertain significance (1 of 4 stars; one submission).

Allele frequency attached by ClinVar (database versions not stated): gnomAD 0.00003; TOPMed 0.00007; ExAC 0.00022.
gnomAD v4.1: 64 of 1,614,030 alleles (0.004%); highest among the groups gnomAD compares: Admixed American, 0.1%; no homozygotes.

Submission:

Labcorp Genetics (formerly Invitae), Labcorp
Classification: Uncertain significance. Last evaluated: 2026-01-08. Review status: criteria provided, single submitter. Criteria: Invitae Variant Classification Sherloc (09022015). Collection method: clinical testing. Allele origin: germline.
Comment: This sequence change replaces glycine, which is neutral and non-polar, with valine, which is neutral and non-polar, at codon 472 of the ADCY10 protein (p.Gly472Val). This variant is present in population databases (rs756991569, gnomAD 0.1%), and has an allele count higher than expected for a pathogenic variant. This variant has not been reported in the literature in individuals affected with ADCY10-related conditions. ClinVar contains an entry for this variant (Variation ID: 2044664). An algorithm developed to predict the effect of missense changes on protein structure and function (PolyPhen-2) suggests that this variant is likely to be disruptive. In summary, the available evidence is currently insufficient to determine the role of this variant in disease. Therefore, it has been classified as a Variant of Uncertain Significance.